The following is an entry in ClinVar:

ClinVar aggregate classification (germline): Likely benign (0 of 4 stars; one submission).

Conditions:
CETP-related disorder. Also called: CETP-related condition.

Allele frequency attached by ClinVar (database versions not stated): gnomAD exomes 0.00001; ExAC 0.00002; gnomAD 0.00003; TOPMed 0.00003.
gnomAD v4.1: 26 of 1,614,026 alleles (0.0016%); highest among the groups gnomAD compares: Middle Eastern, 0.033%; no homozygotes.

Submission:

PreventionGenetics, part of Exact Sciences
Classification: Likely benign for CETP-related condition. Last evaluated: 2019-06-21. Review status: no assertion criteria provided. Collection method: clinical testing. Allele origin: germline.
Comment: This variant is classified as likely benign based on ACMG/AMP sequence variant interpretation guidelines (Richards et al. 2015 PMID: 25741868, with internal and published modifications).

NM_000078.3(CETP):c.450T>C (p.Ser150=)

Gene: CETP (cholesteryl ester transfer protein; plus strand). Cytogenetic location: 16q13.
Variant type: single nucleotide variant.
Coding change: c.450T>C on transcript NM_000078.3 (MANE Select); coding-DNA position 450, T replaced by C.
Protein change: p.Ser150=; no amino-acid change (serine 150 retained).
Molecular consequence: synonymous variant.
Genome position (GRCh38, 1-based): chr16:56,969,924, T>C. VCF-style: chr16-56969924-T-C. GRCh37 (hg19) VCF-style: chr16-57003836-T-C.
Other names: c.450T>C, p.Ser150= (NM_001286085.2).
Identifiers: ClinVar variation 3042539 (VCV003042539.2), dbSNP rs772644949, ClinGen allele CA8070939.